The following is an entry in ClinVar:

ClinVar aggregate classification (germline): Pathogenic (1 of 4 stars; one submission).

Conditions:
Gorlin syndrome. Also called: Nevoid Basal Cell Carcinoma Syndrome; Basal cell nevus syndrome. Identifiers: Orphanet 377, MedGen C0004779, MONDO:0007187.

Submission:

Labcorp Genetics (formerly Invitae), Labcorp
Classification: Pathogenic for Gorlin syndrome. Last evaluated: 2016-11-10. Review status: criteria provided, single submitter. Criteria: Invitae Variant Classification Sherloc (09022015). Collection method: clinical testing. Allele origin: germline.
Comment: For these reasons, this variant has been classified as Pathogenic. Loss-of-function variants in PTCH1 are known to be pathogenic. A deletion of exons 13-15 has been reported in an individual with Gorlin Syndrome (PMID: 22382802). This variant is a gross deletion of the genomic region encompassing exons 13-15 of the PTCH1 gene. This creates a premature translational stop signal and is expected to result in an absent or disrupted protein product.

Literature cited by the submitters: PubMed 22382802.

NC_000009.11:g.(?_98229392)_(98232219_?)del

Gene: PTCH1 (patched 1; minus strand). Cytogenetic location: 9q22.32.
Variant type: Deletion.
Identifiers: ClinVar variation 1069671 (VCV001069671.10).